The following is an entry in ClinVar:

ClinVar aggregate classification (germline): Pathogenic (1 of 4 stars; one submission).

Conditions:
Familial adenomatous polyposis 1 (FAP1). Also called: POLYPOSIS, ADENOMATOUS INTESTINAL; FAMILIAL ADENOMATOUS POLYPOSIS 1, ATTENUATED. Identifiers: MedGen C2713442, MONDO:0021056, OMIM 175100. Disease mechanism: loss of function.

Submission:

Labcorp Genetics (formerly Invitae), Labcorp
Classification: Pathogenic for Familial adenomatous polyposis 1. Last evaluated: 2022-03-08. Review status: criteria provided, single submitter. Criteria: Invitae Variant Classification Sherloc (09022015). Collection method: clinical testing. Allele origin: germline.
Comment: For these reasons, this variant has been classified as Pathogenic. A different truncation (p.Tyr2645Lysfs*14) that lies downstream of this variant has been determined to be pathogenic (PMID: 9824584, 1316610, 27081525, 8381579, 22135120, Invitae). This suggests that deletion of this region of the APC protein is causative of disease. This variant is expected to disrupt the EB1 and HDLG binding sites, which mediate interactions with the cytoskeleton (PMID: 15311282, 17293347). While functional studies have not been performed to directly test the effect on APC protein function, this suggests that disruption of the C-terminal portion of the protein is functionally important. This premature translational stop signal has been observed in individual(s) with familial adenomatous polyposis (PMID: 20434453). This variant is not present in population databases (gnomAD no frequency). This sequence change creates a premature translational stop signal (p.Leu1280Valfs*4) in the APC gene. While this is not anticipated to result in nonsense mediated decay, it is expected to disrupt the last 1564 amino acid(s) of the APC protein.

Literature cited by the submitters: PubMed 9824584; PubMed 1316610; PubMed 27081525; PubMed 8381579; PubMed 22135120; PubMed 15311282; PubMed 17293347; PubMed 20434453.

NM_000038.6(APC):c.3838_3839del (p.Leu1280fs)

Gene: APC (APC regulator of Wnt signaling pathway; plus strand). Cytogenetic location: 5q22.2.
Variant type: Deletion.
Coding change: c.3838_3839del on transcript NM_000038.6 (MANE Select); coding-DNA positions 3838 to 3839, 2 bases deleted (TT; older notation c.3838_3839delTT).
Protein change: p.Leu1280fs; shifts the reading frame from leucine 1280.
Molecular consequence: frameshift variant.
Genome position (GRCh38, 1-based): chr5:112,839,432-112,839,433, TT deleted; deleting any 2 consecutive bases within chr5:112,839,431-112,839,433 gives the same sequence; the c. name uses the placement nearest the transcript's 3' end. VCF-style (leftmost placement, unchanged base first): chr5-112839430-CTT-C. GRCh37 (hg19) VCF-style: chr5-112175127-CTT-C.
Other names: c.3838_3839del, p.Leu1280fs (NM_001127510.3, NM_001354895.2); c.3784_3785del, p.Leu1262fs (NM_001127511.3); c.3892_3893del, p.Leu1298fs (NM_001354896.2); c.3868_3869del, p.Leu1290fs (NM_001354897.2); c.3763_3764del, p.Leu1255fs (NM_001354898.2); c.3754_3755del, p.Leu1252fs (NM_001354899.2); c.3715_3716del, p.Leu1239fs (NM_001354900.2); c.3661_3662del, p.Leu1221fs (NM_001354901.2); and 16 more; short protein forms L1280fs, L1298fs, L1120fs, L1154fs, L1221fs, L1255fs, L1262fs, L1290fs.
Identifiers: ClinVar variation 2136316 (VCV002136316.4), dbSNP rs1765534642, ClinGen allele CA2580072285.